The following is an entry in ClinVar:

ClinVar aggregate classification (germline): Likely benign. Review status: criteria provided, multiple submitters, no conflicts (2 of 4 stars). 5 submissions from 4 submitters: Likely benign (5). Last evaluated 2025-12-18.

Conditions:
Seckel syndrome 1 (SCKL1). Also called: MICROCEPHALIC PRIMORDIAL DWARFISM I. Identifiers: Orphanet 808, MedGen C4551474, MONDO:0008869, OMIM 210600.
Familial cutaneous telangiectasia and oropharyngeal predisposition cancer syndrome. Identifiers: Orphanet 313846, MedGen C3281203, MONDO:0013806, OMIM 614564.

Submissions (5):

Labcorp Genetics (formerly Invitae), Labcorp
Classification: Likely benign. Last evaluated: 2025-12-18. Review status: criteria provided, single submitter. Criteria: Invitae Variant Classification Sherloc (09022015). Collection method: clinical testing. Allele origin: germline.

Blueprint Genetics
Classification: Likely benign. Last evaluated: 2024-08-21. Review status: criteria provided, single submitter. Criteria: ACMG Guidelines, 2015. Collection method: clinical testing. Allele origin: germline.

Genome-Nilou Lab
Classification: Likely benign for Seckel syndrome 1. Last evaluated: 2023-02-08. Review status: criteria provided, single submitter. Criteria: ACMG Guidelines, 2015. Collection method: clinical testing. Allele origin: germline.

Genome-Nilou Lab
Classification: Likely benign for Familial cutaneous telangiectasia and oropharyngeal predisposition cancer syndrome. Last evaluated: 2023-02-08. Review status: criteria provided, single submitter. Criteria: ACMG Guidelines, 2015. Collection method: clinical testing. Allele origin: germline.

GeneDx
Classification: Likely benign. Last evaluated: 2017-05-10. Review status: criteria provided, single submitter. Criteria: GeneDx Variant Classification (06012015). Collection method: clinical testing. Allele origin: germline. Affected: yes.
Comment: This variant is considered likely benign or benign based on one or more of the following criteria: it is a conservative change, it occurs at a poorly conserved position in the protein, it is predicted to be benign by multiple in silico algorithms, and/or has population frequency not consistent with disease.

NM_001184.4(ATR):c.4383-19_4383-16del

Gene: ATR (ATR checkpoint kinase; minus strand). Cytogenetic location: 3q23.
Variant type: Deletion.
Coding change: c.4383-19_4383-16del on transcript NM_001184.4 (MANE Select); 19 bases into the intron before coding-DNA position 4383 through 16 bases into the intron before coding-DNA position 4383, 4 bases deleted (CAAA; older notation c.4383-19_4383-16delCAAA).
Molecular consequence: intron variant.
Genome position (GRCh38, 1-based): chr3:142,515,531-142,515,534, TTTG deleted on the plus strand (CAAA on the coding strand, the reverse complement: ATR is on the minus strand); deleting any 4 consecutive bases within chr3:142,515,531-142,515,537 gives the same sequence; the c. name uses the placement nearest the transcript's 3' end. VCF-style (leftmost placement, unchanged base first): chr3-142515530-ATTTG-A. GRCh37 (hg19) VCF-style: chr3-142234372-ATTTG-A.
Other names: c.4383-19_4383-16delCAAA (NM_001184.3); c.4191-19_4191-16del (NM_001354579.2).
Identifiers: ClinVar variation 509415 (VCV000509415.10), dbSNP rs768981812, ClinGen allele CA2649862.